The following is an entry in ClinVar:

ClinVar aggregate classification (germline): Pathogenic. Review status: criteria provided, multiple submitters, no conflicts (2 of 4 stars). 5 submissions from 5 submitters: Pathogenic (5). Last evaluated 2026-02-18.

Conditions:
COL4A3-related disorder. Also called: COL4A3-Related Disorders; COL4A3-related condition.
Alport syndrome. Also called: Hemorrhagic familial nephritis; Hemorrhagic hereditary nephritis; Congenital hereditary hematuria. Identifiers: Orphanet 63, MedGen C1567741, MONDO:0018965.
Autosomal dominant Alport syndrome (ATS3A). Also called: Alport syndrome dominant type; Renal failure and sensorineural hearing loss; ALPORT SYNDROME 3A, AUTOSOMAL DOMINANT. Identifiers: Orphanet 63, Orphanet 88918, MedGen C5882663, MONDO:0007086, OMIM 104200.

Submissions (5):

Centre de Génétique Humaine, Institut de Pathologie Et de Génétique
Classification: Pathogenic for Autosomal dominant Alport syndrome. Last evaluated: 2026-02-18. Review status: criteria provided, single submitter. Criteria: ACMG Guidelines, 2015. Collection method: clinical testing. Allele origin: germline. Inheritance: Autosomal dominant inheritance. Affected: yes. Observed: 1 variant allele, 1 heterozygote. Segregation with disease observed.
Comment: This 1 bp deletion is a frameshift variant predicted to result in protein truncation or nonsense mediated decay in a gene for which loss-of-function is a known mechanism of disease (PVS1). This variant is rare: allelic frequency of 0.0025% in gnomAD v4.1.0 database (PM2). Described in AR and AD Alport Syndrome in ClinVar (PP5)

Labcorp Genetics (formerly Invitae), Labcorp
Classification: Pathogenic. Last evaluated: 2025-11-16. Review status: criteria provided, single submitter. Criteria: Invitae Variant Classification Sherloc (09022015). Collection method: clinical testing. Allele origin: germline.
Comment: This sequence change creates a premature translational stop signal (p.Pro238Argfs*9) in the COL4A3 gene. It is expected to result in an absent or disrupted protein product. Loss-of-function variants in COL4A3 are known to be pathogenic (PMID: 8956999, 24854265, 26809805, 27281700). This variant is not present in population databases (gnomAD no frequency). This premature translational stop signal has been observed in individuals with autosomal recessive Alport syndrome (PMID: 24052634, 29854973). ClinVar contains an entry for this variant (Variation ID: 850594). For these reasons, this variant has been classified as Pathogenic.

Natera, Inc.
Classification: Pathogenic for Alport syndrome. Last evaluated: 2025-09-10. Review status: criteria provided, single submitter. Criteria: Natera Variant Classification Schema (03/2026). Collection method: clinical testing. Allele origin: germline.
Comment: The c.713delC variant in COL4A3 is a frameshift variant predicted to shift the reading frame beginning at codon 238 and leads to a stop codon 9 codons downstream. This variant is expected to result in nonsense mediated decay, truncation, or a dysfunctional protein product. This variant is rare in the general population with a frequency below the threshold expected for the associated phenotype(s). This variant has been observed in one or more individuals affected with the associated recessive disease, as either homozygous or compound heterozygous with a second variant (PMID: 29854973). Given the available evidence, this variant is classified as Pathogenic.

Victorian Clinical Genetics Services, Murdoch Childrens Research Institute
Classification: Pathogenic for Alport syndrome. Last evaluated: 2024-10-28. Review status: criteria provided, single submitter. Criteria: ACMG Guidelines, 2015. Collection method: clinical testing. Allele origin: germline. Affected: yes.
Comment: This variant is classified as Pathogenic. Evidence in support of pathogenic classification: Variant is predicted to cause nonsense-mediated decay (NMD) and loss of protein (premature termination codon is located at least 54 nucleotides upstream of the final exon-exon junction); Variant is present in gnomAD <0.01 (v4: 40 heterozygote(s), 0 homozygote(s)); Other NMD-predicted variants comparable to the one identified in this case have very strong previous evidence for pathogenicity (DECIPHER). Additional information: This variant is heterozygous; This gene is associated with both recessive (Alport syndrome 3B (MIM#620536)) and dominant disease (Alport syndrome 3A (MIM#104200)) (OMIM); Dominant negative and loss of function are known mechanisms of disease in this gene and are associated with Alport syndrome (MONDO:0018965), COL4A3-related. Glycine changes that are part of a Gly-X-Y repeat in the triple helix of a collagen domain are known to have a dominant negative effect (PMID: 12028435); Inheritance information for this variant is not currently available in this individual.

Blueprint Genetics
Classification: Pathogenic for COL4A3-related disorders. Last evaluated: 2022-09-19. Review status: criteria provided, single submitter. Criteria: ACMG Guidelines, 2015. Collection method: clinical testing. Allele origin: germline. Affected: yes. Observed: 2 variant alleles.

Literature cited by the submitters: PubMed 24052634 (cited by Centre de Génétique Humaine, Institut de Pathologie Et de Génétique and Labcorp Genetics (formerly Invitae), Labcorp); PubMed 38972501 (cited by Centre de Génétique Humaine, Institut de Pathologie Et de Génétique); PubMed 37849993 (cited by Centre de Génétique Humaine, Institut de Pathologie Et de Génétique); PubMed 8956999 (cited by Labcorp Genetics (formerly Invitae), Labcorp); PubMed 24854265 (cited by Labcorp Genetics (formerly Invitae), Labcorp); PubMed 26809805 (cited by Labcorp Genetics (formerly Invitae), Labcorp); PubMed 27281700 (cited by Labcorp Genetics (formerly Invitae), Labcorp); PubMed 29854973 (cited by Labcorp Genetics (formerly Invitae), Labcorp and Natera, Inc.); PubMed 12028435 (cited by Victorian Clinical Genetics Services, Murdoch Childrens Research Institute).

NM_000091.5(COL4A3):c.713del (p.Pro238fs)

Genes: COL4A3 (collagen type IV alpha 3 chain; plus strand), MFF-DT (MFF divergent transcript; minus strand). Cytogenetic location: 2q36.3.
Variant type: Deletion.
Coding change: c.713del on transcript NM_000091.5 (MANE Select); coding-DNA position 713, one base deleted (C; older notation c.713delC).
Protein change: p.Pro238fs; shifts the reading frame from proline 238.
Molecular consequence: frameshift variant.
Genome position (GRCh38, 1-based): chr2:227,253,586, C deleted; the last of 5 consecutive C bases (chr2:227,253,582-227,253,586); deleting any one gives the same sequence. VCF-style (leftmost placement, unchanged base first): chr2-227253581-AC-A. GRCh37 (hg19) VCF-style: chr2-228118297-AC-A.
Other names: p.(Pro238Argfs*9); c.713delC (NM_000091.4); short protein forms P238fs.
Identifiers: ClinVar variation 850594 (VCV000850594.16), dbSNP rs988439345, ClinGen allele CA66621331.